The following is an entry in ClinVar:

NM_001197104.2(KMT2A):c.3865C>G (p.Pro1289Ala)

Gene: KMT2A (lysine methyltransferase 2A; plus strand). Cytogenetic location: 11q23.3.
Variant type: single nucleotide variant.
Coding change: c.3865C>G on transcript NM_001197104.2 (MANE Select); coding-DNA position 3865, C replaced by G.
Protein change: p.Pro1289Ala; replaces proline 1289 with alanine.
Molecular consequence: missense variant.
Genome position (GRCh38, 1-based): chr11:118,481,945, C>G. VCF-style: chr11-118481945-C-G. GRCh37 (hg19) VCF-style: chr11-118352660-C-G.
Other names: c.3865C>G, p.Pro1289Ala (NM_005933.4); short protein forms P1289A.
Identifiers: ClinVar variation 1309409 (VCV001309409.2), dbSNP rs2134300743, ClinGen allele CA382828167.
Genomic context (GRCh38, chr11:118,481,945, plus strand): 5'-GAAAAGAGTGAAGAAGGGAATGTCTCGGCCCCTGGGCCTGAATCCAAACAGGCCACCACT[C>G]CAGCTTCCAGGAAGTCAAGCAAGCAGGTCTCCCAGCCAGCACTGGTCATCCCGCCTCAGC-3'
Protein context (NP_001184033.1, residues 1279-1299): PGPESKQATT[Pro1289Ala]ASRKSSKQVS

ClinVar aggregate classification (germline): Uncertain significance (1 of 4 stars; one submission).

Submission:

GeneDx
Classification: Uncertain significance. Last evaluated: 2019-10-11. Review status: criteria provided, single submitter. Criteria: GeneDx Variant Classification Process June 2021. Collection method: clinical testing. Allele origin: germline. Affected: yes.
Comment: Not observed in large population cohorts (Lek et al., 2016); In silico analysis, which includes protein predictors and evolutionary conservation, supports a deleterious effect; Has not been previously published as pathogenic or benign to our knowledge